The following is an entry in ClinVar:

ClinVar aggregate classification (germline): Uncertain significance. Review status: criteria provided, multiple submitters, no conflicts (2 of 4 stars). 2 submissions from 2 submitters: Uncertain significance (2). Last evaluated 2026-08-01.

Conditions:
Inborn genetic diseases. Identifiers: MedGen C0950123, MeSH D030342.

Submissions (2):

CeGaT Center for Human Genetics Tuebingen
Classification: Uncertain significance. Last evaluated: 2026-08-01. Review status: criteria provided, single submitter. Criteria: CeGaT Center For Human Genetics Tuebingen Variant Classification Criteria Version 2. Collection method: clinical testing. Allele origin: germline. Affected: yes. Observed: 1 variant allele.
Comment: LMAN1: PM2, BP4

Ambry Genetics
Classification: Uncertain significance for Inborn genetic diseases. Last evaluated: 2024-10-19. Review status: criteria provided, single submitter. Criteria: Ambry Variant Classification Scheme 2023. Collection method: clinical testing. Allele origin: germline.

NM_005570.4(LMAN1):c.1364A>G (p.Gln455Arg)

Gene: LMAN1 (lectin, mannose binding 1; minus strand). Cytogenetic location: 18q21.32.
Variant type: single nucleotide variant.
Coding change: c.1364A>G on transcript NM_005570.4 (MANE Select); coding-DNA position 1364, A replaced by G.
Protein change: p.Gln455Arg; replaces glutamine 455 with arginine.
Molecular consequence: missense variant.
Genome position (GRCh38, 1-based): chr18:59,333,101, T>C on the plus strand (A>G on the coding strand, the complement: LMAN1 is on the minus strand). VCF-style: chr18-59333101-T-C. GRCh37 (hg19) VCF-style: chr18-57000333-T-C.
Other names: short protein forms Q455R.
Identifiers: ClinVar variation 3538582 (VCV003538582.2).
Genomic context (GRCh38, chr18:59,333,101, plus strand): 5'-CTTCCTTTCCTAAAGATTATAATTATAAAAGGAAAAGGAAACAAAGTTACCATATTTCGC[T>C]GCACTAAGTTATCTATGTCCCTCTTTACTATGTGCAGGTGCTCTTTGATGTCAATGAAGT-3'
Protein context (NP_005561.1, residues 445-465): IVKRDIDNLV[Gln455Arg]RNMPSNEKPK